The following is an entry in ClinVar:

ClinVar aggregate classification (germline): Likely pathogenic (1 of 4 stars; one submission).

Conditions:
Male infertility with spermatogenesis disorder. Identifiers: Orphanet 399775, MedGen C5681167, MONDO:0018391.

Submission:

Laan Lab, Human Genetics Research Group, University of Tartu
Classification: Likely pathogenic for Male infertility with spermatogenesis disorder. Last evaluated: 2023-12-01. Review status: criteria provided, single submitter. Criteria: ACMG Guidelines, 2015. Collection method: research. Allele origin: germline. Inheritance: Oligogenic inheritance. Affected: yes. Observed: 1 variant allele, 1 heterozygote.

Literature cited by the submitters: DOI 10.3389/fendo.2024.1312357.

NM_003722.5(TP63):c.1283C>T (p.Pro428Leu)

Gene: TP63 (tumor protein p63; plus strand). Cytogenetic location: 3q28.
Variant type: single nucleotide variant.
Coding change: c.1283C>T on transcript NM_003722.5 (MANE Select); coding-DNA position 1283, C replaced by T.
Protein change: p.Pro428Leu; replaces proline 428 with leucine.
Molecular consequence: missense variant.
Genome position (GRCh38, 1-based): chr3:189,872,929, C>T. VCF-style: chr3-189872929-C-T. GRCh37 (hg19) VCF-style: chr3-189590718-C-T.
Other names: c.1283C>T, p.Pro428Leu (NM_001114978.2, NM_001114979.2, NM_001329144.2); c.1001C>T, p.Pro334Leu (NM_001114980.2, NM_001114981.2, NM_001114982.2 and 1 more transcripts); c.746C>T, p.Pro249Leu (NM_001329146.2); c.1271C>T, p.Pro424Leu (NM_001329148.2); c.989C>T, p.Pro330Leu (NM_001329149.2); c.734C>T, p.Pro245Leu (NM_001329150.2); c.1277C>T, p.Pro426Leu (NM_001329964.2); short protein forms P245L, P249L, P330L, P334L, P424L, P426L, P428L.
Identifiers: ClinVar variation 2686013 (VCV002686013.2), dbSNP rs2474635268, ClinGen allele CA355755944.